The following is an entry in ClinVar:

ClinVar aggregate classification (germline): Likely benign (0 of 4 stars; one submission).

Conditions:
ACSS2-related disorder. Also called: ACSS2-related condition.

Allele frequency attached by ClinVar (database versions not stated): 1000 Genomes Project 30x 0.00016; 1000 Genomes Project 0.00020; ExAC 0.00033; gnomAD 0.00056; TOPMed 0.00058; ESP Exome Variant Server 0.00077; gnomAD exomes 0.00088.
gnomAD v4.1: 1,354 of 1,614,120 alleles (0.084%); highest among the groups gnomAD compares: Non-Finnish European, 0.11%; 2 homozygotes.

Submission:

PreventionGenetics, part of Exact Sciences
Classification: Likely benign for ACSS2-related condition. Last evaluated: 2019-07-16. Review status: no assertion criteria provided. Collection method: clinical testing. Allele origin: germline.
Comment: This variant is classified as likely benign based on ACMG/AMP sequence variant interpretation guidelines (Richards et al. 2015 PMID: 25741868, with internal and published modifications).

NM_018677.4(ACSS2):c.1884C>T (p.Thr628=)

Gene: ACSS2 (acyl-CoA synthetase short chain family member 2; plus strand). Cytogenetic location: 20q11.22.
Variant type: single nucleotide variant.
Coding change: c.1884C>T on transcript NM_018677.4 (MANE Select); coding-DNA position 1884, C replaced by T.
Protein change: p.Thr628=; no amino-acid change (threonine 628 retained).
Molecular consequence: synonymous variant.
Genome position (GRCh38, 1-based): chr20:34,926,262, C>T. VCF-style: chr20-34926262-C-T. GRCh37 (hg19) VCF-style: chr20-33514065-C-T.
Other names: c.1923C>T, p.Thr641= (NM_001076552.3); c.1599C>T, p.Thr533= (NM_001242393.2).
Identifiers: ClinVar variation 3042629 (VCV003042629.2), dbSNP rs58735881, ClinGen allele CA9825711.